The following is an entry in ClinVar:

ClinVar aggregate classification (germline): Pathogenic. Review status: criteria provided, multiple submitters, no conflicts (2 of 4 stars). 2 submissions from 2 submitters: Pathogenic (2). Last evaluated 2021-10-06.

Conditions:
Hereditary cancer-predisposing syndrome. Also called: Neoplastic Syndromes, Hereditary; Tumor predisposition; Hereditary neoplastic syndrome; Hereditary Cancer Syndrome. Identifiers: Orphanet 140162, MedGen C0027672, MeSH D009386, MONDO:0015356.

Submissions (2):

Labcorp Genetics (formerly Invitae), Labcorp
Classification: Pathogenic for Hereditary cancer-predisposing syndrome. Last evaluated: 2021-10-06. Review status: criteria provided, single submitter. Criteria: Invitae Variant Classification Sherloc (09022015). Collection method: clinical testing. Allele origin: germline.
Comment: For these reasons, this variant has been classified as Pathogenic. Algorithms developed to predict the effect of sequence changes on RNA splicing suggest that this variant may create or strengthen a splice site. ClinVar contains an entry for this variant (Variation ID: 826870). This variant has not been reported in the literature in individuals affected with RAD50-related conditions. This variant is not present in population databases (ExAC no frequency). This sequence change creates a premature translational stop signal (p.Glu239Lysfs*13) in the RAD50 gene. It is expected to result in an absent or disrupted protein product. Loss-of-function variants in RAD50 are known to be pathogenic (PMID: 19409520).

Ambry Genetics
Classification: Pathogenic for Hereditary cancer-predisposing syndrome. Last evaluated: 2019-12-16. Review status: criteria provided, single submitter. Criteria: Ambry Variant Classification Scheme 2023. Collection method: clinical testing. Allele origin: germline.
Comment: The c.715delG variant, located in coding exon 5 of the RAD50 gene, results from a deletion of one nucleotide at nucleotide position 715, causing a translational frameshift with a predicted alternate stop codon (p.E239Kfs*13). This alteration is expected to result in loss of function by premature protein truncation or nonsense-mediated mRNA decay. As such, this alteration is interpreted as a disease-causing mutation.

Literature cited by the submitters: PubMed 19409520 (cited by Labcorp Genetics (formerly Invitae), Labcorp).

NM_005732.4(RAD50):c.715del (p.Glu239fs)

Gene: RAD50 (RAD50 double strand break repair protein; plus strand). Cytogenetic location: 5q31.1.
Variant type: Deletion.
Coding change: c.715del on transcript NM_005732.4 (MANE Select); coding-DNA position 715, one base deleted (G; older notation c.715delG).
Protein change: p.Glu239fs; shifts the reading frame from glutamic acid 239.
Molecular consequence: frameshift variant.
Genome position (GRCh38, 1-based): chr5:132,580,025, G deleted; the last of 2 consecutive G bases (chr5:132,580,024-132,580,025); deleting either gives the same sequence. VCF-style (leftmost placement, unchanged base first): chr5-132580023-AG-A. GRCh37 (hg19) VCF-style: chr5-131915715-AG-A.
Other names: short protein forms E239fs.
Identifiers: ClinVar variation 826870 (VCV000826870.10), dbSNP rs1580987780, ClinGen allele CA915943538.